The following is an entry in ClinVar:

NM_001457.4(FLNB):c.3922T>G (p.Tyr1308Asp)

Gene: FLNB (filamin B; plus strand). Cytogenetic location: 3p14.3.
Variant type: single nucleotide variant.
Coding change: c.3922T>G on transcript NM_001457.4 (MANE Select); coding-DNA position 3922, T replaced by G.
Protein change: p.Tyr1308Asp; replaces tyrosine 1308 with aspartic acid.
Molecular consequence: missense variant.
Genome position (GRCh38, 1-based): chr3:58,125,604, T>G. VCF-style: chr3-58125604-T-G. GRCh37 (hg19) VCF-style: chr3-58111331-T-G.
Other names: c.3922T>G, p.Tyr1308Asp (NM_001164317.2, NM_001164318.2, NM_001164319.2); short protein forms Y1308D.
Identifiers: ClinVar variation 4702527 (VCV004702527.1).

ClinVar aggregate classification (germline): Uncertain significance (1 of 4 stars; one submission).

gnomAD v4.1: 1 of 1,614,198 alleles (0.000062%); highest among the groups gnomAD compares: Non-Finnish European, 0.000085%; no homozygotes.

Submission:

Labcorp Genetics (formerly Invitae), Labcorp
Classification: Uncertain significance. Last evaluated: 2025-02-06. Review status: criteria provided, single submitter. Criteria: Invitae Variant Classification Sherloc (09022015). Collection method: clinical testing. Allele origin: germline.
Comment: This sequence change replaces tyrosine, which is neutral and polar, with aspartic acid, which is acidic and polar, at codon 1308 of the FLNB protein (p.Tyr1308Asp). This variant is not present in population databases (gnomAD no frequency). This variant has not been reported in the literature in individuals affected with FLNB-related conditions. Invitae Evidence Modeling of protein sequence and biophysical properties (such as structural, functional, and spatial information, amino acid conservation, physicochemical variation, residue mobility, and thermodynamic stability) has been performed for this missense variant. However, the output from this modeling did not meet the statistical confidence thresholds required to predict the impact of this variant on FLNB protein function. In summary, the available evidence is currently insufficient to determine the role of this variant in disease. Therefore, it has been classified as a Variant of Uncertain Significance.